The following is an entry in ClinVar:

NM_002439.5(MSH3):c.1700_1702delinsTT (p.Thr567fs)

Gene: MSH3 (mutS homolog 3; plus strand). Cytogenetic location: 5q14.1.
Variant type: Indel.
Coding change: c.1700_1702delinsTT on transcript NM_002439.5 (MANE Select); coding-DNA positions 1700 to 1702, CTA replaced by TT.
Protein change: p.Thr567fs; shifts the reading frame from threonine 567.
Molecular consequence: frameshift variant.
Genome position (GRCh38, 1-based): chr5:80,744,552-80,744,554, CTA replaced by TT. VCF-style: chr5-80744552-CTA-TT. GRCh37 (hg19) VCF-style: chr5-80040371-CTA-TT.
Other names: short protein forms T567fs.
Identifiers: ClinVar variation 3398717 (VCV003398717.1).

ClinVar aggregate classification (germline): Pathogenic (1 of 4 stars; one submission).

Conditions:
Hereditary cancer-predisposing syndrome. Also called: Hereditary Cancer Syndrome; Tumor predisposition; Hereditary neoplastic syndrome; Neoplastic Syndromes, Hereditary. Identifiers: Orphanet 140162, MedGen C0027672, MeSH D009386, MONDO:0015356.

Submission:

Ambry Genetics
Classification: Pathogenic for Hereditary cancer-predisposing syndrome. Last evaluated: 2024-09-13. Review status: criteria provided, single submitter. Criteria: Ambry Variant Classification Scheme 2023. Collection method: clinical testing. Allele origin: germline.
Comment: The c.1700_1702delCTAinsTT pathogenic mutation, located in coding exon 12 of the MSH3 gene, results from the deletion of 3 nucleotides and insertion of two nucleotides causing a translational frameshift with a predicted alternate stop codon (p.T567Ifs*10). This variant is considered to be rare based on population cohorts in the Genome Aggregation Database (gnomAD). This alteration is expected to result in loss of function by premature protein truncation or nonsense-mediated mRNA decay. As such, this alteration is interpreted as a disease-causing mutation.